The following is an entry in ClinVar:

NM_012318.3(LETM1):c.2100T>G (p.Val700=)

Gene: LETM1 (leucine zipper and EF-hand containing transmembrane protein 1; minus strand). Cytogenetic location: 4p16.3.
Variant type: single nucleotide variant.
Coding change: c.2100T>G on transcript NM_012318.3 (MANE Select); coding-DNA position 2100, T replaced by G.
Protein change: p.Val700=; no amino-acid change (valine 700 retained).
Molecular consequence: synonymous variant.
Genome position (GRCh38, 1-based): chr4:1,814,544, A>C on the plus strand (T>G on the coding strand, the complement: LETM1 is on the minus strand). VCF-style: chr4-1814544-A-C. GRCh37 (hg19) VCF-style: chr4-1816271-A-C.
Identifiers: ClinVar variation 4873169 (VCV004873169.2).

ClinVar aggregate classification (germline): Likely benign (1 of 4 stars; one submission).

Submission:

CeGaT Center for Human Genetics Tuebingen
Classification: Likely benign. Last evaluated: 2026-06-01. Review status: criteria provided, single submitter. Criteria: CeGaT Center For Human Genetics Tuebingen Variant Classification Criteria Version 2. Collection method: clinical testing. Allele origin: germline. Affected: yes. Observed: 1 variant allele.
Comment: LETM1: PM2:Supporting, BP4, BP7